The following is an entry in ClinVar:

ClinVar aggregate classification (germline): Likely pathogenic (1 of 4 stars; one submission).

Submission:

Labcorp Genetics (formerly Invitae), Labcorp
Classification: Likely pathogenic. Last evaluated: 2023-04-06. Review status: criteria provided, single submitter. Criteria: Invitae Variant Classification Sherloc (09022015). Collection method: clinical testing. Allele origin: germline.
Comment: This sequence change replaces arginine, which is basic and polar, with histidine, which is basic and polar, at codon 81 of the CLDN14 protein (p.Arg81His). The frequency data for this variant in the population databases is considered unreliable, as metrics indicate poor data quality at this position in the gnomAD database. In summary, the currently available evidence indicates that the variant is pathogenic, but additional data are needed to prove that conclusively. Therefore, this variant has been classified as Likely Pathogenic. An algorithm developed to predict the effect of missense changes on protein structure and function (PolyPhen-2) suggests that this variant is likely to be disruptive. A different variant (c.242G>A) giving rise to the same protein effect has been determined to be pathogenic (PMID: 22246673, 23235333). This suggests that this variant is also likely to be causative of disease.

Literature cited by the submitters: PubMed 22246673; PubMed 23235333.

NM_001146079.2(CLDN14):c.242_243delinsAT (p.Arg81His)

Genes: CLDN14 (claudin 14; minus strand), CLDN14-AS1 (CLDN14 antisense RNA 1; plus strand). Cytogenetic location: 21q22.13.
Variant type: Indel.
Coding change: c.242_243delinsAT on transcript NM_001146079.2 (MANE Select); coding-DNA positions 242 to 243, GC replaced by AT.
Protein change: p.Arg81His; replaces arginine 81 with histidine.
Molecular consequence: missense variant.
Genome position (GRCh38, 1-based): chr21:36,461,453-36,461,454, GC replaced by AT on the plus strand (GC replaced by AT on the coding strand, the reverse complement: CLDN14 is on the minus strand). VCF-style: chr21-36461453-GC-AT. GRCh37 (hg19) VCF-style: chr21-37833751-GC-AT.
Other names: c.242_243delinsAT, p.Arg81His (NM_001146077.2, NM_001146078.3, NM_012130.4 and 1 more transcripts); short protein forms R81H.
Identifiers: ClinVar variation 2972749 (VCV002972749.3), dbSNP rs2517046858, ClinGen allele CA2740094709.